The following is an entry in ClinVar:

ClinVar aggregate classification (germline): other (0 of 4 stars; one submission).

Conditions:
Cholangiocarcinoma. Identifiers: Orphanet 70567, MedGen C0206698, MeSH D018281, MONDO:0019087, HP:0030153.

Allele frequency attached by ClinVar (database versions not stated): TOPMed 0.45313; gnomAD 0.46618; 1000 Genomes Project 30x 0.47330; 1000 Genomes Project 0.47784.

Submission:

Department of Surgery, Campus Charité Mitte | Campus Virchow-klinikum, Charite-Universitaetsmedizin Berlin
Classification: other for Cholangiocarcinoma. Last evaluated: 2022-12-10. Review status: no assertion criteria provided. Collection method: research. Allele origin: germline. Affected: yes.
Comment: T/T and T/A genotype associated with significantly shorter OS after surgical resection of intrahepatic CCA

Literature cited by the submitters: PubMed 18550579.

NC_000004.12:g.73740307A>T

Gene: CXCL8 (C-X-C motif chemokine ligand 8; plus strand). Cytogenetic location: 4q13.3.
Variant type: single nucleotide variant.
Genome position: GRCh38 VCF-style: chr4-73740307-A-T. GRCh37 (hg19) VCF-style: chr4-74606024-A-T.
Identifiers: ClinVar variation 2571395 (VCV002571395.2), dbSNP rs4073, ClinGen allele CA11831505.